The following is an entry in ClinVar:

ClinVar aggregate classification (germline): Uncertain significance (1 of 4 stars; one submission).

Conditions:
Immunodeficiency, common variable, 1. Also called: ANTIBODY DEFICIENCY DUE TO ICOS DEFECT. Identifiers: Orphanet 1572, Orphanet 695183, MedGen C3149378, MONDO:0011864, OMIM 607594.

Submission:

Labcorp Genetics (formerly Invitae), Labcorp
Classification: Uncertain significance for Immunodeficiency, common variable, 1. Last evaluated: 2024-11-19. Review status: criteria provided, single submitter. Criteria: Invitae Variant Classification Sherloc (09022015). Collection method: clinical testing. Allele origin: germline.
Comment: This sequence change replaces glutamic acid, which is acidic and polar, with glycine, which is neutral and non-polar, at codon 29 of the ICOS protein (p.Glu29Gly). This variant is not present in population databases (gnomAD no frequency). This variant has not been reported in the literature in individuals affected with ICOS-related conditions. An algorithm developed to predict the effect of missense changes on protein structure and function (PolyPhen-2) suggests that this variant is likely to be tolerated. In summary, the available evidence is currently insufficient to determine the role of this variant in disease. Therefore, it has been classified as a Variant of Uncertain Significance.

NM_012092.4(ICOS):c.86A>G (p.Glu29Gly)

Gene: ICOS (inducible T cell costimulator; plus strand). Cytogenetic location: 2q33.2.
Variant type: single nucleotide variant.
Coding change: c.86A>G on transcript NM_012092.4 (MANE Select); coding-DNA position 86, A replaced by G.
Protein change: p.Glu29Gly; replaces glutamic acid 29 with glycine.
Molecular consequence: missense variant.
Genome position (GRCh38, 1-based): chr2:203,955,663, A>G. VCF-style: chr2-203955663-A-G. GRCh37 (hg19) VCF-style: chr2-204820386-A-G.
Other names: short protein forms E29G.
Identifiers: ClinVar variation 3725395 (VCV003725395.2).